The following is an entry in ClinVar:

ClinVar aggregate classification (germline): Uncertain significance (1 of 4 stars; one submission).

Allele frequency attached by ClinVar (database versions not stated): gnomAD 0.00001; gnomAD exomes 0.00001; TOPMed 0.00001; ExAC 0.00002.
gnomAD v4.1: 19 of 1,613,954 alleles (0.0012%); highest among the groups gnomAD compares: East Asian, 0.0022%; no homozygotes.

Submission:

Labcorp Genetics (formerly Invitae), Labcorp
Classification: Uncertain significance. Last evaluated: 2025-11-10. Review status: criteria provided, single submitter. Criteria: Invitae Variant Classification Sherloc (09022015). Collection method: clinical testing. Allele origin: germline.
Comment: This sequence change replaces arginine, which is basic and polar, with cysteine, which is neutral and slightly polar, at codon 51 of the SNRNP200 protein (p.Arg51Cys). This variant is present in population databases (rs761976191, gnomAD 0.003%). This missense change has been observed in individual(s) with clinical features of retinitis pigmentosa (internal data). ClinVar contains an entry for this variant (Variation ID: 1376836). Invitae Evidence Modeling of protein sequence and biophysical properties (such as structural, functional, and spatial information, amino acid conservation, physicochemical variation, residue mobility, and thermodynamic stability) has been performed for this missense variant. However, the output from this modeling did not meet the statistical confidence thresholds required to predict the impact of this variant on SNRNP200 protein function. In summary, the available evidence is currently insufficient to determine the role of this variant in disease. Therefore, it has been classified as a Variant of Uncertain Significance.

NM_014014.5(SNRNP200):c.151C>T (p.Arg51Cys)

Gene: SNRNP200 (small nuclear ribonucleoprotein U5 subunit 200; minus strand). Cytogenetic location: 2q11.2.
Variant type: single nucleotide variant.
Coding change: c.151C>T on transcript NM_014014.5 (MANE Select); coding-DNA position 151, C replaced by T.
Protein change: p.Arg51Cys; replaces arginine 51 with cysteine.
Molecular consequence: missense variant.
Genome position (GRCh38, 1-based): chr2:96,304,763, G>A on the plus strand (C>T on the coding strand, the complement: SNRNP200 is on the minus strand). VCF-style: chr2-96304763-G-A. GRCh37 (hg19) VCF-style: chr2-96970501-G-A.
Other names: short protein forms R51C.
Identifiers: ClinVar variation 1376836 (VCV001376836.8), dbSNP rs761976191, ClinGen allele CA1779259.
Genomic context (GRCh38, chr2:96,304,763, plus strand): 5'-ACTTGGCTCTTCTTTCCTCCTGCATCTGCGGTTTGGTCCGTTGAGCCTTGTCTCCCATAC[G>A]GGTGCCCTCCAGCTTCCCAACAAGGGACAGCACCTCTCCTGTGGGTTCATCCCGGCGGGT-3'
Protein context (NP_054733.2, residues 41-61): LSLVGKLEGT[Arg51Cys]MGDKAQRTKP